The following is an entry in ClinVar:

NM_152383.5(DIS3L2):c.1913G>C (p.Gly638Ala)

Gene: DIS3L2 (DIS3 like 3'-5' exoribonuclease 2; plus strand). Cytogenetic location: 2q37.1.
Variant type: single nucleotide variant.
Coding change: c.1913G>C on transcript NM_152383.5 (MANE Select); coding-DNA position 1913, G replaced by C.
Protein change: p.Gly638Ala; replaces glycine 638 with alanine.
Molecular consequence: missense variant. On other transcripts: non-coding transcript variant (2), intron variant (1).
Genome position (GRCh38, 1-based): chr2:232,329,986, G>C. VCF-style: chr2-232329986-G-C. GRCh37 (hg19) VCF-style: chr2-233194696-G-C.
Other names: c.1582-13359G>C (NM_001257281.2); short protein forms G638A.
Identifiers: ClinVar variation 2830279 (VCV002830279.3), dbSNP rs772936274, ClinGen allele CA2164300.
Genomic context (GRCh38, chr2:232,329,986, plus strand): 5'-TCAGTGACCTGGTGGAATTCTGCGACCAGATGGGGCTGCCCGTGGACTTCAGCTCCGCAG[G>C]AGCCCTCAATGTGAGTGGTGGGCAGGATTCGGGGGAGGCCCTGCTTGGGGGAAAGAAGAG-3'
Protein context (NP_689596.4, residues 628-648): MGLPVDFSSA[Gly638Ala]ALNKSLTQTF

ClinVar aggregate classification (germline): Uncertain significance (1 of 4 stars; one submission).

Conditions:
Perlman syndrome (PRLMNS). Identifiers: Orphanet 2849, MedGen C0796113, MONDO:0009965, OMIM 267000.

Allele frequency attached by ClinVar (database versions not stated): TOPMed below 0.00001; ExAC 0.00001.

Submission:

Labcorp Genetics (formerly Invitae), Labcorp
Classification: Uncertain significance for Perlman syndrome. Last evaluated: 2023-01-19. Review status: criteria provided, single submitter. Criteria: Invitae Variant Classification Sherloc (09022015). Collection method: clinical testing. Allele origin: germline.
Comment: In summary, the available evidence is currently insufficient to determine the role of this variant in disease. Therefore, it has been classified as a Variant of Uncertain Significance. Advanced modeling of protein sequence and biophysical properties (such as structural, functional, and spatial information, amino acid conservation, physicochemical variation, residue mobility, and thermodynamic stability) performed at Invitae indicates that this missense variant is not expected to disrupt DIS3L2 protein function. This variant has not been reported in the literature in individuals affected with DIS3L2-related conditions. This variant is present in population databases (rs772936274, gnomAD 0.002%). This sequence change replaces glycine, which is neutral and non-polar, with alanine, which is neutral and non-polar, at codon 638 of the DIS3L2 protein (p.Gly638Ala).